The following is an entry in ClinVar:

NM_001267550.2(TTN):c.18923C>A (p.Ser6308Tyr)

Genes: TTN (titin; minus strand), LOC126806430 (BRD4-independent group 4 enhancer GRCh37_chr2:179593794-179594993; plus strand). Cytogenetic location: 2q31.2.
Variant type: single nucleotide variant.
Coding change: c.18923C>A on transcript NM_001267550.2 (MANE Select); coding-DNA position 18923, C replaced by A.
Protein change: p.Ser6308Tyr; replaces serine 6308 with tyrosine.
Molecular consequence: missense variant. On other transcripts: intron variant (3).
Genome position (GRCh38, 1-based): chr2:178,729,115, G>T on the plus strand (C>A on the coding strand, the complement: TTN is on the minus strand). VCF-style: chr2-178729115-G-T. GRCh37 (hg19) VCF-style: chr2-179593842-G-T.
Other names: c.17972C>A, p.Ser5991Tyr (NM_001256850.1); c.15191C>A, p.Ser5064Tyr (NM_133378.4); c.13282+8967C>A (NM_003319.4); c.13858+8967C>A (NM_133437.4); c.13657+8967C>A (NM_133432.3); short protein forms S5064Y, S5991Y, S6308Y.
Identifiers: ClinVar variation 2651689 (VCV002651689.24), dbSNP rs899075048, ClinGen allele CA60977520.
Genomic context (GRCh38, chr2:178,729,115, plus strand): 5'-TCCTTTAGCCAGGTTATAGAAATAGGAGGAGAACCTGCCACGGTACTCTGAAAGGTGGCA[G>T]AACTTTTCAAAACAGTAGTGGTATTTTCTATCTTCTTAATGAATGATGGTGGTTCTGTGA-3'
Protein context (NP_001254479.2, residues 6298-6318): IENTTTVLKS[Ser6308Tyr]ATFQSTVAGS

ClinVar aggregate classification (germline): Uncertain significance (1 of 4 stars; one submission).

Allele frequency attached by ClinVar (database versions not stated): TOPMed 0.00001.

Submission:

CeGaT Center for Human Genetics Tuebingen
Classification: Uncertain significance. Last evaluated: 2023-10-01. Review status: criteria provided, single submitter. Criteria: CeGaT Center For Human Genetics Tuebingen Variant Classification Criteria Version 2. Collection method: clinical testing. Allele origin: germline. Affected: yes. Observed: 1 variant allele.
Comment: TTN: PM2, BP4